The following is an entry in ClinVar:

NM_016373.4(WWOX):c.605+6_605+18del

Gene: WWOX (WW domain containing oxidoreductase; plus strand). Cytogenetic location: 16q23.1.
Variant type: Deletion.
Coding change: c.605+6_605+18del on transcript NM_016373.4 (MANE Select); bases 6 to 18 of the intron after coding-DNA position 605, 13 bases deleted (TGTTCCAGTGGAG).
Molecular consequence: intron variant.
Genome position (GRCh38, 1-based): chr16:78,386,954-78,386,966, TGTTCCAGTGGAG deleted; deleting any 13 consecutive bases within chr16:78,386,951-78,386,966 gives the same sequence; the c. name uses the placement nearest the transcript's 3' end. VCF-style (leftmost placement, unchanged base first): chr16-78386950-TGAGTGTTCCAGTG-T. GRCh37 (hg19) VCF-style: chr16-78420847-TGAGTGTTCCAGTG-T.
Other names: c.266+6_266+18del (NM_001291997.2).
Identifiers: ClinVar variation 1057515 (VCV001057515.6), dbSNP rs775621555, ClinGen allele CA8183351.

ClinVar aggregate classification (germline): Uncertain significance (1 of 4 stars; one submission).

Conditions:
Autosomal recessive spinocerebellar ataxia 12. Also called: SPINOCEREBELLAR ATAXIA WITH MENTAL RETARDATION AND EPILEPSY. Identifiers: Orphanet 284282, MedGen C3280452, MONDO:0013687, OMIM 614322.
Developmental and epileptic encephalopathy, 1 (DEE1). Also called: X-linked infantile spasms; West's syndrome; Tonic spasms with clustering, arrest of psychomotor development and hypsarrhythmia on EEG; X-Linked Infantile Spasm Syndrome; OHTAHARA SYNDROME, X-LINKED; Epileptic encephalopathy, early infantile, 1. Identifiers: MedGen C3463992, MONDO:0010632, OMIM 308350. Disease mechanism: loss of function.

Submission:

Labcorp Genetics (formerly Invitae), Labcorp
Classification: Uncertain significance for Developmental and epileptic encephalopathy, 1; Autosomal recessive spinocerebellar ataxia 12. Last evaluated: 2022-07-05. Review status: criteria provided, single submitter. Criteria: Invitae Variant Classification Sherloc (09022015). Collection method: clinical testing. Allele origin: germline.
Comment: This variant is present in population databases (rs775621555, gnomAD 0.002%). This sequence change falls in intron 6 of the WWOX gene. It does not directly change the encoded amino acid sequence of the WWOX protein. It affects a nucleotide within the consensus splice site. This variant has not been reported in the literature in individuals affected with WWOX-related conditions. ClinVar contains an entry for this variant (Variation ID: 1057515). Variants that disrupt the consensus splice site are a relatively common cause of aberrant splicing (PMID: 17576681, 9536098). Algorithms developed to predict the effect of sequence changes on RNA splicing suggest that this variant may disrupt the consensus splice site. In summary, the available evidence is currently insufficient to determine the role of this variant in disease. Therefore, it has been classified as a Variant of Uncertain Significance.

Literature cited by the submitters: PubMed 17576681; PubMed 9536098.